The following is an entry in ClinVar:

NM_005676.5(RBM10):c.479G>A (p.Arg160Gln)

Gene: RBM10 (RNA binding motif protein 10; plus strand). Cytogenetic location: Xp11.3.
Variant type: single nucleotide variant.
Coding change: c.479G>A on transcript NM_005676.5 (MANE Select); coding-DNA position 479, G replaced by A.
Protein change: p.Arg160Gln; replaces arginine 160 with glutamine.
Molecular consequence: missense variant.
Genome position (GRCh38, 1-based): chrX:47,173,174, G>A. VCF-style: chrX-47173174-G-A. GRCh37 (hg19) VCF-style: chrX-47032573-G-A.
Other names: c.248G>A, p.Arg83Gln (NM_001204466.2, NM_152856.3); c.479G>A, p.Arg160Gln (NM_001204467.2); c.674G>A, p.Arg225Gln (NM_001204468.2); short protein forms R160Q, R225Q, R83Q.
Identifiers: ClinVar variation 2579392 (VCV002579392.1), dbSNP rs2147142774, ClinGen allele CA412793484.
Genomic context (GRCh38, chrX:47,173,174, plus strand): 5'-ATCTCCCCGTATAGATCCGTGGCCAGCTGCAGTCGCACGGCGTGCAAGCACGGGAGGTTC[G>A]GCTGATGCGGAACAAATCTTCAGGTGAGCTTTTGTTCTAGTGCCCTCCCCTTCAAGTGGC-3'
Protein context (NP_005667.2, residues 150-170): QSHGVQAREV[Arg160Gln]LMRNKSSGQS

ClinVar aggregate classification (germline): Uncertain significance (1 of 4 stars; one submission).

Submission:

GeneDx
Classification: Uncertain significance. Last evaluated: 2023-03-07. Review status: criteria provided, single submitter. Criteria: GeneDx Variant Classification Process June 2021. Collection method: clinical testing. Allele origin: germline. Affected: yes.
Comment: Not observed at significant frequency in large population cohorts (gnomAD); In silico analysis supports that this missense variant has a deleterious effect on protein structure/function; Has not been previously published as pathogenic or benign to our knowledge